The following is an entry in ClinVar:

ClinVar aggregate classification (germline): Uncertain significance. Review status: criteria provided, multiple submitters, no conflicts (2 of 4 stars). 3 submissions from 3 submitters: Uncertain significance (3). Last evaluated 2024-10-10.

Conditions:
Hereditary cancer-predisposing syndrome. Also called: Neoplastic Syndromes, Hereditary; Tumor predisposition; Hereditary Cancer Syndrome; Hereditary neoplastic syndrome. Identifiers: Orphanet 140162, MedGen C0027672, MeSH D009386, MONDO:0015356.
Renal cell carcinoma. Identifiers: Orphanet 217071, MedGen C0007134, MeSH D002292, MONDO:0005086, HP:0005584.

Allele frequency attached by ClinVar (database versions not stated): gnomAD exomes below 0.00001.
gnomAD v4.1: 2 of 1,613,878 alleles (0.00012%); highest among the groups gnomAD compares: Non-Finnish European, 0.00017%; no homozygotes.

Submissions (3):

Labcorp Genetics (formerly Invitae), Labcorp
Classification: Uncertain significance for Renal cell carcinoma. Last evaluated: 2024-10-10. Review status: criteria provided, single submitter. Criteria: Invitae Variant Classification Sherloc (09022015). Collection method: clinical testing. Allele origin: germline.
Comment: This sequence change replaces valine, which is neutral and non-polar, with leucine, which is neutral and non-polar, at codon 19 of the MET protein (p.Val19Leu). This variant is present in population databases (no rsID available, gnomAD 0.0009%). This variant has not been reported in the literature in individuals affected with MET-related conditions. ClinVar contains an entry for this variant (Variation ID: 1712672). Invitae Evidence Modeling of protein sequence and biophysical properties (such as structural, functional, and spatial information, amino acid conservation, physicochemical variation, residue mobility, and thermodynamic stability) indicates that this missense variant is not expected to disrupt MET protein function with a negative predictive value of 80%. In summary, the available evidence is currently insufficient to determine the role of this variant in disease. Therefore, it has been classified as a Variant of Uncertain Significance.

Ambry Genetics
Classification: Uncertain significance for Hereditary cancer-predisposing syndrome. Last evaluated: 2024-02-16. Review status: criteria provided, single submitter. Criteria: Ambry Variant Classification Scheme 2023. Collection method: clinical testing. Allele origin: germline.
Comment: The p.V19L variant (also known as c.55G>C), located in coding exon 1 of the MET gene, results from a G to C substitution at nucleotide position 55. The valine at codon 19 is replaced by leucine, an amino acid with highly similar properties. This amino acid position is well conserved in available vertebrate species. In addition, this alteration is predicted to be tolerated by in silico analysis. Based on the available evidence, the clinical significance of this alteration remains unclear.

GeneDx
Classification: Uncertain significance. Last evaluated: 2022-04-26. Review status: criteria provided, single submitter. Criteria: GeneDx Variant Classification Process June 2021. Collection method: clinical testing. Allele origin: germline. Affected: yes.
Comment: Not observed at significant frequency in large population cohorts (gnomAD); In silico analysis supports that this missense variant does not alter protein structure/function; Has not been previously published as pathogenic or benign to our knowledge

NM_000245.4(MET):c.55G>C (p.Val19Leu)

Gene: MET (MET proto-oncogene, receptor tyrosine kinase; plus strand). Cytogenetic location: 7q31.2.
Variant type: single nucleotide variant.
Coding change: c.55G>C on transcript NM_000245.4 (MANE Select); coding-DNA position 55, G replaced by C.
Protein change: p.Val19Leu; replaces valine 19 with leucine.
Molecular consequence: missense variant. On other transcripts: intron variant (1).
Genome position (GRCh38, 1-based): chr7:116,699,139, G>C. VCF-style: chr7-116699139-G-C. GRCh37 (hg19) VCF-style: chr7-116339193-G-C.
Other names: c.55G>C, p.Val19Leu (NM_001127500.3, NM_001324401.3); c.-91+26562G>C (NM_001324402.2); short protein forms V19L.
Identifiers: ClinVar variation 1712672 (VCV001712672.5), dbSNP rs1486187704, ClinGen allele CA368968241.